The following is an entry in ClinVar:

ClinVar aggregate classification (germline): Uncertain significance. Review status: criteria provided, multiple submitters, no conflicts (2 of 4 stars). 3 submissions from 3 submitters: Uncertain significance (3). Last evaluated 2024-03-01.

Conditions:
Fanconi anemia complementation group I (FANCI). Also called: FANCI-Related Fanconi Anemia. Identifiers: Orphanet 84, MedGen C1836861, MONDO:0012186, OMIM 609053.
Fanconi anemia (FA). Also called: Fanconi's anemia. Identifiers: Orphanet 84, MedGen C0015625, MeSH D005199, MONDO:0019391.

Allele frequency attached by ClinVar (database versions not stated): ExAC 0.00001; gnomAD 0.00001 and 0.00002; gnomAD exomes 0.00001; TOPMed 0.00002; ESP Exome Variant Server 0.00008.
gnomAD v4.1: 17 of 1,614,058 alleles (0.0011%); highest among the groups gnomAD compares: Non-Finnish European, 0.0014%; no homozygotes.

Submissions (3):

GeneDx
Classification: Uncertain significance. Last evaluated: 2024-03-01. Review status: criteria provided, single submitter. Criteria: GeneDx Variant Classification Process June 2021. Collection method: clinical testing. Allele origin: germline. Affected: yes.
Comment: Not observed at significant frequency in large population cohorts (gnomAD); In silico analysis supports a deleterious effect on splicing; In silico analysis supports that this missense variant does not alter protein structure/function; Has not been previously published as pathogenic or benign to our knowledge

Labcorp Genetics (formerly Invitae), Labcorp
Classification: Uncertain significance for Fanconi anemia. Last evaluated: 2022-04-09. Review status: criteria provided, single submitter. Criteria: Invitae Variant Classification Sherloc (09022015). Collection method: clinical testing. Allele origin: germline.
Comment: This sequence change replaces leucine, which is neutral and non-polar, with valine, which is neutral and non-polar, at codon 1197 of the FANCI protein (p.Leu1197Val). This variant is present in population databases (rs149763090, gnomAD 0.002%). This variant has not been reported in the literature in individuals affected with FANCI-related conditions. ClinVar contains an entry for this variant (Variation ID: 888031). Algorithms developed to predict the effect of missense changes on protein structure and function are either unavailable or do not agree on the potential impact of this missense change (SIFT: "Deleterious"; PolyPhen-2: "Probably Damaging"; Align-GVGD: "Class C0"). Algorithms developed to predict the effect of sequence changes on RNA splicing suggest that this variant may disrupt the consensus splice site. In summary, the available evidence is currently insufficient to determine the role of this variant in disease. Therefore, it has been classified as a Variant of Uncertain Significance.

Illumina Laboratory Services, Illumina
Classification: Uncertain significance for Fanconi anemia complementation group I. Last evaluated: 2018-01-13. Review status: criteria provided, single submitter. Criteria: ICSL Variant Classification Criteria 13 December 2019. Collection method: clinical testing. Allele origin: germline.

NM_001113378.2(FANCI):c.3589C>G (p.Leu1197Val)

Gene: FANCI (FA complementation group I; plus strand). Cytogenetic location: 15q26.1.
Variant type: single nucleotide variant.
Coding change: c.3589C>G on transcript NM_001113378.2 (MANE Select); coding-DNA position 3589, C replaced by G.
Protein change: p.Leu1197Val; replaces leucine 1197 with valine.
Molecular consequence: missense variant.
Genome position (GRCh38, 1-based): chr15:89,307,527, C>G. VCF-style: chr15-89307527-C-G. GRCh37 (hg19) VCF-style: chr15-89850758-C-G.
Other names: c.3310C>G, p.Leu1104Val (NM_001376910.1); c.3589C>G, p.Leu1197Val (NM_001376911.1); c.3409C>G, p.Leu1137Val (NM_018193.3); short protein forms L1104V, L1137V, L1197V.
Identifiers: ClinVar variation 888031 (VCV000888031.9), dbSNP rs149763090, ClinGen allele CA7723769.